The following is an entry in ClinVar:

NM_201384.3(PLEC):c.2845G>A (p.Glu949Lys)

Gene: PLEC (plectin; minus strand). Cytogenetic location: 8q24.3.
Variant type: single nucleotide variant.
Coding change: c.2845G>A on transcript NM_201384.3 (MANE Select); coding-DNA position 2845, G replaced by A.
Protein change: p.Glu949Lys; replaces glutamic acid 949 with lysine.
Molecular consequence: missense variant.
Genome position (GRCh38, 1-based): chr8:143,929,724, C>T on the plus strand (G>A on the coding strand, the complement: PLEC is on the minus strand). VCF-style: chr8-143929724-C-T. GRCh37 (hg19) VCF-style: chr8-145003892-C-T.
Other names: c.2926G>A, p.Glu976Lys (NM_000445.5); c.2803G>A, p.Glu935Lys (NM_201378.4); c.2779G>A, p.Glu927Lys (NM_201379.3); c.3256G>A, p.Glu1086Lys (NM_201380.4); c.2749G>A, p.Glu917Lys (NM_201381.3); c.2845G>A, p.Glu949Lys (NM_201382.4); c.2857G>A, p.Glu953Lys (NM_201383.3); short protein forms E917K, E927K, E949K, E976K, E935K, E1086K, E953K.
Identifiers: ClinVar variation 1377344 (VCV001377344.8), dbSNP rs372173655, ClinGen allele CA4927322.

ClinVar aggregate classification (germline): Uncertain significance (1 of 4 stars; one submission).

Conditions:
Epidermolysis bullosa simplex 5B, with muscular dystrophy (EBS5B). Also called: Epidermolysis bullosa simplex with muscular dystrophy; EPIDERMOLYSIS BULLOSA SIMPLEX AND LIMB-GIRDLE MUSCULAR DYSTROPHY. Identifiers: Orphanet 257, MedGen C2931072, MONDO:0009181, OMIM 226670.
Epidermolysis bullosa simplex, Ogna type (EBS5A). Also called: Pidermolysis bullosa simplex 5A, Ogna type; EPIDERMOLYSIS BULLOSA SIMPLEX 5A, OGNA TYPE. Identifiers: Orphanet 79401, MedGen C0432317, MONDO:0007555, OMIM 131950.
Autosomal recessive limb-girdle muscular dystrophy type 2Q (LGMDR17). Also called: MUSCULAR DYSTROPHY, LIMB-GIRDLE, AUTOSOMAL RECESSIVE 17. Identifiers: Orphanet 254361, MedGen C3150989, MONDO:0013390, OMIM 613723.
Epidermolysis bullosa simplex with nail dystrophy (EBS5D). Identifiers: MedGen C4225309, MONDO:0014661, OMIM 616487.
Epidermolysis bullosa simplex 5C, with pyloric atresia (EBS5C). Also called: Epidermolysis bullosa simplex with pyloric atresia; PLEC-Related Epidermolysis Bullosa with Pyloric Atresia; PLEC1-Related Epidermolysis Bullosa with Pyloric Atresia. Identifiers: Orphanet 158684, MedGen C2677349, MONDO:0012807, OMIM 612138.

Allele frequency attached by ClinVar (database versions not stated): TOPMed below 0.00001; gnomAD exomes 0.00004; ExAC 0.00005; ESP Exome Variant Server 0.00008.
gnomAD v4.1: 29 of 1,599,786 alleles (0.0018%); highest among the groups gnomAD compares: South Asian, 0.0044%; no homozygotes.

Submission:

Labcorp Genetics (formerly Invitae), Labcorp
Classification: Uncertain significance for Autosomal recessive limb-girdle muscular dystrophy type 2Q; Epidermolysis bullosa simplex, Ogna type; Epidermolysis bullosa simplex with nail dystrophy; Epidermolysis bullosa simplex 5C, with pyloric atresia; Epidermolysis bullosa simplex 5B, with muscular dystrophy. Last evaluated: 2025-05-12. Review status: criteria provided, single submitter. Criteria: Invitae Variant Classification Sherloc (09022015). Collection method: clinical testing. Allele origin: germline.
Comment: This sequence change replaces glutamic acid, which is acidic and polar, with lysine, which is basic and polar, at codon 976 of the PLEC protein (p.Glu976Lys). This variant is present in population databases (rs372173655, gnomAD 0.01%). This variant has not been reported in the literature in individuals affected with PLEC-related conditions. ClinVar contains an entry for this variant (Variation ID: 1377344). Invitae Evidence Modeling of protein sequence and biophysical properties (such as structural, functional, and spatial information, amino acid conservation, physicochemical variation, residue mobility, and thermodynamic stability) indicates that this missense variant is not expected to disrupt PLEC protein function with a negative predictive value of 80%. In summary, the available evidence is currently insufficient to determine the role of this variant in disease. Therefore, it has been classified as a Variant of Uncertain Significance.